The following is an entry in ClinVar:

ClinVar aggregate classification (germline): Uncertain significance. Review status: criteria provided, multiple submitters, no conflicts (2 of 4 stars). 2 submissions from 2 submitters: Uncertain significance (2). Last evaluated 2026-05-14.

Allele frequency attached by ClinVar (database versions not stated): gnomAD 0.00005 and 0.00004; gnomAD exomes 0.00006; TOPMed 0.00003.
gnomAD v4.1: 66 of 1,198,496 alleles (0.0055%); highest among the groups gnomAD compares: Non-Finnish European, 0.0067%; no homozygotes.

Submissions (2):

Ambry Genetics
Classification: Uncertain significance. Last evaluated: 2026-05-14. Review status: criteria provided, single submitter. Criteria: Ambry Variant Classification Scheme 2023. Collection method: clinical testing. Allele origin: germline.

Labcorp Genetics (formerly Invitae), Labcorp
Classification: Uncertain significance. Last evaluated: 2022-05-15. Review status: criteria provided, single submitter. Criteria: Invitae Variant Classification Sherloc (09022015). Collection method: clinical testing. Allele origin: germline.
Comment: This sequence change replaces alanine, which is neutral and non-polar, with threonine, which is neutral and polar, at codon 64 of the NXN protein (p.Ala64Thr). The frequency data for this variant in the population databases is considered unreliable, as metrics indicate poor data quality at this position in the gnomAD database. This variant has not been reported in the literature in individuals affected with NXN-related conditions. Algorithms developed to predict the effect of missense changes on protein structure and function output the following: SIFT: "Deleterious"; PolyPhen-2: "Benign"; Align-GVGD: "Class C0". The threonine amino acid residue is found in multiple mammalian species, which suggests that this missense change does not adversely affect protein function. In summary, the available evidence is currently insufficient to determine the role of this variant in disease. Therefore, it has been classified as a Variant of Uncertain Significance.

NM_022463.5(NXN):c.190G>A (p.Ala64Thr)

Gene: NXN (nucleoredoxin; minus strand). Cytogenetic location: 17p13.3.
Variant type: single nucleotide variant.
Coding change: c.190G>A on transcript NM_022463.5 (MANE Select); coding-DNA position 190, G replaced by A.
Protein change: p.Ala64Thr; replaces alanine 64 with threonine.
Molecular consequence: missense variant.
Genome position (GRCh38, 1-based): chr17:979,489, C>T on the plus strand (G>A on the coding strand, the complement: NXN is on the minus strand). VCF-style: chr17-979489-C-T. GRCh37 (hg19) VCF-style: chr17-882729-C-T.
Other names: c.190G>A (NM_022463.4); short protein forms A64T.
Identifiers: ClinVar variation 1514315 (VCV001514315.4), dbSNP rs1044477260, ClinGen allele CA286729056.
Genomic context (GRCh38, chr17:979,489, plus strand): 5'-GCCGCGGCTCGGGCTCCGCCGCCGCCCCGGCCCCCGCTCCCGGCCCCGGCCCGGCCGCCG[C>T]GTCCCCCCGCAGGCGCCCGTAGAAGGCGGCCAGGCTGGCGCTGAGCTGCGCGCAGGGGGC-3'
Protein context (NP_071908.2, residues 54-74): AAFYGRLRGD[Ala64Thr]AAGPGPGAGA